The following is an entry in ClinVar:

NM_001394062.1(MACF1):c.17144A>C (p.Glu5715Ala)

Gene: MACF1 (microtubule actin crosslinking factor 1; plus strand). Cytogenetic location: 1p34.3.
Variant type: single nucleotide variant.
Coding change: c.17144A>C on transcript NM_001394062.1 (MANE Select); coding-DNA position 17144, A replaced by C.
Protein change: p.Glu5715Ala; replaces glutamic acid 5715 with alanine.
Molecular consequence: missense variant.
Genome position (GRCh38, 1-based): chr1:39,430,715, A>C. VCF-style: chr1-39430715-A-C. GRCh37 (hg19) VCF-style: chr1-39896387-A-C.
Other names: c.5213A>C, p.Glu1738Ala (NM_001397473.1); c.10958A>C, p.Glu3653Ala (NM_012090.5); short protein forms E1738A, E5715A, E3653A.
Identifiers: ClinVar variation 2185153 (VCV002185153.5), dbSNP rs749576549, ClinGen allele CA783533.

ClinVar aggregate classification (germline): Likely benign. Review status: criteria provided, multiple submitters, no conflicts (2 of 4 stars). 2 submissions from 2 submitters: Likely benign (2). Last evaluated 2026-09-01.

Allele frequency attached by ClinVar (database versions not stated): ExAC 0.00006; TOPMed 0.00006; gnomAD 0.00009.
gnomAD v4.1: 80 of 1,611,982 alleles (0.005%); highest among the groups gnomAD compares: Non-Finnish European, 0.0059%; no homozygotes.

Submissions (2):

CeGaT Center for Human Genetics Tuebingen
Classification: Likely benign. Last evaluated: 2026-09-01. Review status: criteria provided, single submitter. Criteria: CeGaT Center For Human Genetics Tuebingen Variant Classification Criteria Version 2. Collection method: clinical testing. Allele origin: germline. Affected: yes. Observed: 2 variant alleles.
Comment: MACF1: BS2

Labcorp Genetics (formerly Invitae), Labcorp
Classification: Likely benign. Last evaluated: 2025-07-14. Review status: criteria provided, single submitter. Criteria: Invitae Variant Classification Sherloc (09022015). Collection method: clinical testing. Allele origin: germline.